The following is an entry in ClinVar:

NM_004260.4(RECQL4):c.2089T>G (p.Phe697Val)

Gene: RECQL4 (RecQ like helicase 4; minus strand). Cytogenetic location: 8q24.3.
Variant type: single nucleotide variant.
Coding change: c.2089T>G on transcript NM_004260.4 (MANE Select); coding-DNA position 2089, T replaced by G.
Protein change: p.Phe697Val; replaces phenylalanine 697 with valine.
Molecular consequence: missense variant. On other transcripts: non-coding transcript variant (2).
Genome position (GRCh38, 1-based): chr8:144,513,682, A>C on the plus strand (T>G on the coding strand, the complement: RECQL4 is on the minus strand). VCF-style: chr8-144513682-A-C. GRCh37 (hg19) VCF-style: chr8-145739066-A-C.
Other names: c.1993T>G, p.Phe665Val (NM_001413017.1, NM_001413020.1); c.2089T>G, p.Phe697Val (NM_001413018.1, NM_001413019.1, NM_001413036.1); c.952T>G, p.Phe318Val (NM_001413030.1, NM_001413032.1, NM_001413027.1 and 1 more transcripts); c.820T>G, p.Phe274Val (NM_001413031.1); c.1957T>G, p.Phe653Val (NM_001413033.1); c.1018T>G, p.Phe340Val (NM_001413034.1, NM_001413035.1, NM_001413038.1 and 6 more transcripts); c.886T>G, p.Phe296Val (NM_001413037.1); c.2059T>G, p.Phe687Val (NM_001413039.1); and 4 more; short protein forms F274V, F654V, F296V, F318V, F330V, F687V, F697V, F208V.
Identifiers: ClinVar variation 5028123 (VCV005028123.1).

ClinVar aggregate classification (germline): Uncertain significance (1 of 4 stars; one submission).

Conditions:
Inborn genetic diseases. Identifiers: MedGen C0950123, MeSH D030342.

Submission:

Ambry Genetics
Classification: Uncertain significance for Inborn genetic diseases. Last evaluated: 2026-09-11. Review status: criteria provided, single submitter. Criteria: Ambry Variant Classification Scheme 2023. Collection method: clinical testing. Allele origin: germline.
Comment: The p.F697V variant (also known as c.2089T>G), located in coding exon 13 of the RECQL4 gene, results from a T to G substitution at nucleotide position 2089. The phenylalanine at codon 697 is replaced by valine, an amino acid with highly similar properties. This amino acid position is conserved. In addition, this alteration is predicted to be deleterious by in silico analysis. Based on the available evidence, the clinical significance of this variant remains unclear.